The following is an entry in ClinVar:

NM_020975.6(RET):c.379C>A (p.Leu127Met)

Gene: RET (ret proto-oncogene; plus strand). Cytogenetic location: 10q11.21.
Variant type: single nucleotide variant.
Coding change: c.379C>A on transcript NM_020975.6 (MANE Select); coding-DNA position 379, C replaced by A.
Protein change: p.Leu127Met; replaces leucine 127 with methionine.
Molecular consequence: missense variant. On other transcripts: intron variant (22).
Genome position (GRCh38, 1-based): chr10:43,102,383, C>A. VCF-style: chr10-43102383-C-A. GRCh37 (hg19) VCF-style: chr10-43597831-C-A.
Other names: c.379C>A, p.Leu127Met (NM_000323.2, NM_001406743.1, NM_001406744.1 and 16 more transcripts); c.338-88C>A (NM_001406764.1, NM_001406762.1, NM_001406761.1 and 4 more transcripts); c.337+1661C>A (NM_001406770.1, NM_001406766.1, NM_001406767.1 and 8 more transcripts); c.74-6648C>A (NM_001406784.1); c.74-9716C>A (NM_001406794.1, NM_001406792.1, NM_001406793.1); short protein forms L127M.
Identifiers: ClinVar variation 2625018 (VCV002625018.6), dbSNP rs1180613732, ClinGen allele CA376770700.
Genomic context (GRCh38, chr10:43,102,383, plus strand): 5'-ACCTGACTTCTCTCTGCAGACCGCGGCTTTCCCCTGCTCACCGTCTACCTCAAGGTCTTC[C>A]TGTCACCCACATCCCTTCGTGAGGGCGAGTGCCAGTGGCCAGGCTGTGCCCGCGTATACT-3'
Protein context (NP_066124.1, residues 117-137): PLLTVYLKVF[Leu127Met]SPTSLREGEC

ClinVar aggregate classification (germline): Uncertain significance. Review status: criteria provided, multiple submitters, no conflicts (2 of 4 stars). 3 submissions from 3 submitters: Uncertain significance (3). Last evaluated 2025-08-30.

Conditions:
Hereditary cancer-predisposing syndrome. Also called: Tumor predisposition; Hereditary Cancer Syndrome; Hereditary neoplastic syndrome; Neoplastic Syndromes, Hereditary. Identifiers: Orphanet 140162, MedGen C0027672, MeSH D009386, MONDO:0015356.
Multiple endocrine neoplasia, type 2 (MEN2). Identifiers: Orphanet 653, MedGen C4048306, MONDO:0019003. Disease mechanism: gain of function.

Allele frequency attached by ClinVar (database versions not stated): gnomAD 0.00001; TOPMed 0.00001.
gnomAD v4.1: 15 of 1,614,140 alleles (0.00093%); highest among the groups gnomAD compares: Non-Finnish European, 0.0012%; no homozygotes.

Submissions (3):

Labcorp Genetics (formerly Invitae), Labcorp
Classification: Uncertain significance for Multiple endocrine neoplasia, type 2. Last evaluated: 2025-08-30. Review status: criteria provided, single submitter. Criteria: Invitae Variant Classification Sherloc (09022015). Collection method: clinical testing. Allele origin: germline.
Comment: This sequence change replaces leucine, which is neutral and non-polar, with methionine, which is neutral and non-polar, at codon 127 of the RET protein (p.Leu127Met). This variant is not present in population databases (gnomAD no frequency). This variant has not been reported in the literature in individuals affected with RET-related conditions. ClinVar contains an entry for this variant (Variation ID: 2625018). An algorithm developed to predict the effect of missense changes on protein structure and function (PolyPhen-2) suggests that this variant is likely to be disruptive. In summary, the available evidence is currently insufficient to determine the role of this variant in disease. Therefore, it has been classified as a Variant of Uncertain Significance.

Ambry Genetics
Classification: Uncertain significance for Hereditary cancer-predisposing syndrome. Last evaluated: 2023-07-05. Review status: criteria provided, single submitter. Criteria: Ambry Variant Classification Scheme 2023. Collection method: clinical testing. Allele origin: germline.
Comment: The p.L127M variant (also known as c.379C>A), located in coding exon 3 of the RET gene, results from a C to A substitution at nucleotide position 379. The leucine at codon 127 is replaced by methionine, an amino acid with highly similar properties. This amino acid position is highly conserved in available vertebrate species. In addition, the in silico prediction for this alteration is inconclusive. Since supporting evidence is limited at this time, the clinical significance of this alteration remains unclear.

All of Us Research Program, National Institutes of Health
Classification: Uncertain significance for Multiple endocrine neoplasia, type 2. Last evaluated: 2023-04-27. Review status: criteria provided, single submitter. Criteria: ACMG Guidelines, 2015. Collection method: clinical testing. Allele origin: germline. Inheritance: Autosomal dominant inheritance. Observed: 1 variant allele, 1 heterozygote.
Comment: This study involves interpretation of variants in research participants for the purpose of population health screening. Participant phenotype was not available at the time of variant classification. Additional details can be found in publication PMID: 35346344, PMCID: PMC8962531